The following is an entry in ClinVar:

ClinVar aggregate classification (germline): Conflicting classifications of pathogenicity. Review status: criteria provided, conflicting classifications (1 of 4 stars). 2 submissions from 2 submitters: Uncertain significance (1); Likely benign (1). Last evaluated 2022-07-11.

Conditions:
Inborn genetic diseases. Identifiers: MedGen C0950123, MeSH D030342.
Epilepsy, childhood absence, susceptibility to, 5. Identifiers: Orphanet 64280, MedGen C2677087, MONDO:0012843, OMIM 612269.
Epilepsy, childhood absence, susceptibility to, 1. Also called: Epilepsy, childhood absence 1. Identifiers: Orphanet 64280, MedGen C1838604, MONDO:0020759, OMIM 600131.

Allele frequency attached by ClinVar (database versions not stated): gnomAD exomes below 0.00001 and 0.00002; gnomAD 0.00001; TOPMed 0.00002; ExAC 0.00003; 1000 Genomes Project 0.00020; 1000 Genomes Project 30x 0.00031.
gnomAD v4.1: 27 of 1,542,996 alleles (0.0017%); highest among the groups gnomAD compares: South Asian, 0.006%; no homozygotes.

Submissions (2):

Labcorp Genetics (formerly Invitae), Labcorp
Classification: Likely benign for Epilepsy, childhood absence, susceptibility to, 5; Epilepsy, childhood absence, susceptibility to, 1. Last evaluated: 2022-07-11. Review status: criteria provided, single submitter. Criteria: Invitae Variant Classification Sherloc (09022015). Collection method: clinical testing. Allele origin: germline.

Ambry Genetics
Classification: Uncertain significance for Inborn genetic diseases. Last evaluated: 2019-07-30. Review status: criteria provided, single submitter. Criteria: Ambry Variant Classification Scheme 2023. Collection method: clinical testing. Allele origin: germline.
Comment: The c.81-5C>G intronic variant results from a C to G substitution 5 nucleotides upstream from coding exon 2 in the GABRB3 gene. This nucleotide position is not well conserved in available vertebrate species. Using the BDGP and ESEfinder splice site prediction tools, this alteration is predicted to weaken the efficiency of the native splice acceptor site; however, direct evidence is unavailable. Since supporting evidence is limited at this time, the clinical significance of this alteration remains unclear.

NM_000814.6(GABRB3):c.81-5C>G

Gene: GABRB3 (gamma-aminobutyric acid type A receptor subunit beta3; minus strand). Cytogenetic location: 15q12.
Variant type: single nucleotide variant.
Coding change: c.81-5C>G on transcript NM_000814.6 (MANE Select); 5 bases into the intron before coding-DNA position 81, C replaced by G.
Molecular consequence: intron variant.
Genome position (GRCh38, 1-based): chr15:26,772,777, G>C on the plus strand (C>G on the coding strand, the complement: GABRB3 is on the minus strand). VCF-style: chr15-26772777-G-C. GRCh37 (hg19) VCF-style: chr15-27017924-G-C.
Other names: c.81-5C>G (NM_021912.5); c.-271-5C>G (NM_001278631.2).
Identifiers: ClinVar variation 1425962 (VCV001425962.10), dbSNP rs201579427, ClinGen allele CA7437559.
Genomic context (GRCh38, chr15:26,772,777, plus strand): 5'-TCAACAGCTTGTCCACCGTCTCCTTCACAAAGGACATGTTCCCGGGATCGTTCACACTGG[G>C]GGAGGGACGGGGAGCACAAAGAGCGGGGTCAGGGGCGGCTCAGCCGCCAGCGCCCCGCGC-3'